The following is an entry in ClinVar:

ClinVar aggregate classification (germline): Uncertain significance. Review status: reviewed by expert panel (3 of 4 stars). 2 submissions from 2 submitters: Uncertain significance (1). 1 of the submissions does not count toward it. Last evaluated 2026-10-12.

Conditions:
CYP1B1-related glaucoma with or without anterior segment dysgenesis. Identifiers: MedGen CN375931, MONDO:0800472.

Submissions (2):

ClinGen Glaucoma Variant Curation Expert Panel
Classification: Uncertain significance for CYP1B1-related glaucoma with or without anterior segment dysgenesis. Last evaluated: 2026-10-12. Review status: reviewed by expert panel. Criteria: ClinGen Glaucoma ACMG Specifications CYP1B1 V2.0. Collection method: curation. Allele origin: germline. Inheritance: Autosomal recessive inheritance.
Comment: The c.71T>G variant in CYP1B1 is a missense variant predicted to cause substitution of Leucine by Arginine at amino acid 24 (p.Leu24Arg). This variant was not found in any genetic ancestry group of gnomAD (v4.1), meeting the ≤ 0.0005 threshold set for PM2_Supporting in a genetic ancestry group of at least 2,000 alleles. This missense variant was not predicted to affect splicing, as assessed with SpliceAI (≤ 0.1) and the REVEL score = 0.556, which was neither above nor below the thresholds for PP3 (≥ 0.644) or BP4 (≤ 0.290), predicting a damaging or benign impact on CYP1B1 function. This variant has been identified in an individual with a CYP1B1-related phenotype. Total proband points = 0.5, meeting PM3_Supporting. PS3_Supporting was not applied as the assays reported in PMID: 39721180 did not meet the OddsPath threshold (> 2.1). In summary, this variant met the criteria to receive a score of 2 and to be classified as a variant of uncertain significance (uncertain significance classification range -1 to 5, adapted from PMID: 32720330) for CYP1B1-related glaucoma with or without anterior segment dysgenesis (ASD) based on the ACMG/AMP criteria met, as specified by the ClinGen Glaucoma VCEP (v2.0, 16.07.2026): PM2_Supporting, PM3_Supporting.

Women's Health and Genetics/Laboratory Corporation of America, LabCorp
Classification: Uncertain significance. Last evaluated: 2024-07-30. Review status: criteria provided, single submitter. Criteria: LabCorp Variant Classification Summary - May 2015. Collection method: clinical testing. Allele origin: germline. Not counted in ClinVar's aggregate classification.
Comment: Variant summary: CYP1B1 c.71T>G (p.Leu24Arg) results in a non-conservative amino acid change in the encoded protein sequence. Four of five in-silico tools predict a damaging effect of the variant on protein function. The variant was absent in 243802 control chromosomes. c.71T>G has been reported in the literature in the homozygous state in at least 1 individual affected with Primary Congenital Glaucoma (example, Tanwar_2009, Tanwar_2010). These data indicate that the variant may be associated with disease. To our knowledge, no experimental evidence demonstrating an impact on protein function has been reported. The following publications have been ascertained in the context of this evaluation (PMID: 19536304, 21031026). No submitters have cited clinical-significance assessments for this variant to ClinVar. Based on the evidence outlined above, the variant was classified as VUS-possibly pathogenic.

Literature cited by the submitters: PubMed 19536304 (cited by Women's Health and Genetics/Laboratory Corporation of America, LabCorp); PubMed 21031026 (cited by Women's Health and Genetics/Laboratory Corporation of America, LabCorp).

NM_000104.4(CYP1B1):c.71T>G (p.Leu24Arg)

Gene: CYP1B1 (cytochrome P450 family 1 subfamily B member 1; minus strand). Cytogenetic location: 2p22.2.
Variant type: single nucleotide variant.
Coding change: c.71T>G on transcript NM_000104.4 (MANE Select); coding-DNA position 71, T replaced by G.
Protein change: p.Leu24Arg; replaces leucine 24 with arginine.
Molecular consequence: missense variant.
Genome position (GRCh38, 1-based): chr2:38,075,318, A>C on the plus strand (T>G on the coding strand, the complement: CYP1B1 is on the minus strand). VCF-style: chr2-38075318-A-C. GRCh37 (hg19) VCF-style: chr2-38302461-A-C.
Other names: NM_000104.4(CYP1B1):c.71T>G; p.Leu24Arg; short protein forms L24R.
Identifiers: ClinVar variation 3339205 (VCV003339205.2).